The following is an entry in ClinVar:

ClinVar aggregate classification (germline): Likely pathogenic (1 of 4 stars; one submission).

Conditions:
Autosomal recessive limb-girdle muscular dystrophy type 2J (LGMDR10). Also called: Limb-girdle muscular dystrophy, type 2J; MUSCULAR DYSTROPHY, LIMB-GIRDLE, AUTOSOMAL RECESSIVE 10. Identifiers: Orphanet 140922, MedGen C1837342, MONDO:0012127, OMIM 608807.
Dilated cardiomyopathy 1G (CMD1G). Identifiers: Orphanet 154, MedGen C1858763, MONDO:0011400, OMIM 604145.

Submission:

Labcorp Genetics (formerly Invitae), Labcorp
Classification: Likely pathogenic for Dilated cardiomyopathy 1G; Autosomal recessive limb-girdle muscular dystrophy type 2J. Last evaluated: 2022-08-08. Review status: criteria provided, single submitter. Criteria: Invitae Variant Classification Sherloc (09022015). Collection method: clinical testing. Allele origin: germline.
Comment: This sequence change creates a premature translational stop signal (p.Leu22552*) in the TTN gene. While this is not anticipated to result in nonsense mediated decay, it is expected to create a truncated TTN protein. This variant is not present in population databases (gnomAD no frequency). This variant has not been reported in the literature in individuals affected with TTN-related conditions. This variant is located in the A band of TTN (PMID: 25589632). Truncating variants in this region are significantly overrepresented in patients affected with dilated cardiomyopathy (PMID: 25589632). Truncating variants in this region have also been reported in individuals affected with autosomal recessive centronuclear myopathy (PMID: 23975875). In summary, the currently available evidence indicates that the variant is pathogenic, but additional data are needed to prove that conclusively. Therefore, this variant has been classified as Likely Pathogenic.

Literature cited by the submitters: PubMed 25589632; PubMed 23975875.

NM_001267550.2(TTN):c.67655T>G (p.Leu22552Ter)

Genes: TTN-AS1 (TTN antisense RNA 1; plus strand), TTN (titin; minus strand), LOC126806423 (CDK7 strongly-dependent group 2 enhancer GRCh37_chr2:179443309-179444508; plus strand). Cytogenetic location: 2q31.2.
Variant type: single nucleotide variant.
Coding change: c.67655T>G on transcript NM_001267550.2 (MANE Select); coding-DNA position 67655, T replaced by G.
Protein change: p.Leu22552Ter; replaces leucine 22552 with a stop codon.
Molecular consequence: nonsense.
Genome position (GRCh38, 1-based): chr2:178,579,375, A>C on the plus strand (T>G on the coding strand, the complement: TTN is on the minus strand). VCF-style: chr2-178579375-A-C. GRCh37 (hg19) VCF-style: chr2-179444102-A-C.
Other names: c.62732T>G, p.Leu20911Ter (NM_001256850.1); c.40460T>G, p.Leu13487Ter (NM_003319.4); c.59951T>G, p.Leu19984Ter (NM_133378.4); c.40835T>G, p.Leu13612Ter (NM_133432.3); c.41036T>G, p.Leu13679Ter (NM_133437.4); short protein forms L13487*, L13612*, L19984*, L13679*, L20911*, L22552*.
Identifiers: ClinVar variation 2022757 (VCV002022757.4), dbSNP rs2468877626, ClinGen allele CA349423269.